The following is an entry in ClinVar:

ClinVar aggregate classification (germline): Uncertain significance (1 of 4 stars; one submission).

Submission:

Labcorp Genetics (formerly Invitae), Labcorp
Classification: Uncertain significance. Last evaluated: 2022-12-13. Review status: criteria provided, single submitter. Criteria: Invitae Variant Classification Sherloc (09022015). Collection method: clinical testing. Allele origin: germline.
Comment: In summary, the available evidence is currently insufficient to determine the role of this variant in disease. Therefore, it has been classified as a Variant of Uncertain Significance. Advanced modeling of protein sequence and biophysical properties (such as structural, functional, and spatial information, amino acid conservation, physicochemical variation, residue mobility, and thermodynamic stability) performed at Invitae indicates that this missense variant is not expected to disrupt COL7A1 protein function. This variant has not been reported in the literature in individuals affected with COL7A1-related conditions. This variant is not present in population databases (gnomAD no frequency). This sequence change replaces glycine, which is neutral and non-polar, with aspartic acid, which is acidic and polar, at codon 490 of the COL7A1 protein (p.Gly490Asp).

NM_000094.4(COL7A1):c.1469G>A (p.Gly490Asp)

Gene: COL7A1 (collagen type VII alpha 1 chain; minus strand). Cytogenetic location: 3p21.31.
Variant type: single nucleotide variant.
Coding change: c.1469G>A on transcript NM_000094.4 (MANE Select); coding-DNA position 1469, G replaced by A.
Protein change: p.Gly490Asp; replaces glycine 490 with aspartic acid.
Molecular consequence: missense variant.
Genome position (GRCh38, 1-based): chr3:48,591,711, C>T on the plus strand (G>A on the coding strand, the complement: COL7A1 is on the minus strand). VCF-style: chr3-48591711-C-T. GRCh37 (hg19) VCF-style: chr3-48629144-C-T.
Other names: short protein forms G490D.
Identifiers: ClinVar variation 2820307 (VCV002820307.3), dbSNP rs2531314095, ClinGen allele CA352734064.
Genomic context (GRCh38, chr3:48,591,711, plus strand): 5'-GCCCAGCCCACAGAGCCCTCACCAGTGGGAACCACGGTTGCAGGGGTGGCCACCTCGTGG[C>T]CCTCCAGCAGAGTGTAGAGTGTGAGGCGGTACTCAGTGCCCGGCTGCAGCCCATCCAACT-3'
Protein context (NP_000085.1, residues 480-500): YRLTLYTLLE[Gly490Asp]HEVATPATVV